The following is an entry in ClinVar:

ClinVar aggregate classification (germline): Benign/Likely benign. Review status: criteria provided, multiple submitters, no conflicts (2 of 4 stars). 13 submissions from 13 submitters: Benign (3); Likely benign (8). 2 of the submissions do not count toward it. Last evaluated 2026-02-03.

Conditions:
MET-related disorder. Also called: MET-related condition.
Renal cell carcinoma. Identifiers: Orphanet 217071, MedGen C0007134, MeSH D002292, MONDO:0005086, HP:0005584.
Hereditary cancer-predisposing syndrome. Also called: Tumor predisposition; Hereditary neoplastic syndrome; Hereditary Cancer Syndrome; Neoplastic Syndromes, Hereditary. Identifiers: Orphanet 140162, MedGen C0027672, MeSH D009386, MONDO:0015356.
Papillary renal cell carcinoma type 1 (RCCP1). Also called: Renal adenocarcinoma; Renal cell carcinoma 1; Renal cell carcinoma, somatic; RENAL CELL CARCINOMA, PAPILLARY, 1, SOMATIC. Identifiers: Orphanet 47044, MedGen C1336839, OMIM 605074, HP:0011797.

Allele frequency attached by ClinVar (database versions not stated): gnomAD 0.00016 and 0.00020; gnomAD exomes 0.00038; ExAC 0.00044; TOPMed 0.00055; 1000 Genomes Project 30x 0.00094; 1000 Genomes Project 0.00120.
gnomAD v4.1: 282 of 1,613,924 alleles (0.017%); highest among the groups gnomAD compares: East Asian, 0.4%; 1 homozygote.

Submissions (13):

Labcorp Genetics (formerly Invitae), Labcorp
Classification: Benign for Renal cell carcinoma. Last evaluated: 2026-02-03. Review status: criteria provided, single submitter. Criteria: Invitae Variant Classification Sherloc (09022015). Collection method: clinical testing. Allele origin: germline.

CeGaT Center for Human Genetics Tuebingen
Classification: Likely benign. Last evaluated: 2026-02-01. Review status: criteria provided, single submitter. Criteria: CeGaT Center For Human Genetics Tuebingen Variant Classification Criteria Version 2. Collection method: clinical testing. Allele origin: germline. Affected: yes. Observed: 2 variant alleles.
Comment: MET: BP4, BS2

Center for Genomic Medicine, Rigshospitalet, Copenhagen University Hospital
Classification: Likely benign. Last evaluated: 2025-03-04. Review status: criteria provided, single submitter. Criteria: ACMG Guidelines, 2015. Collection method: clinical testing. Allele origin: germline.

KCCC/NGS Laboratory, Kuwait Cancer Control Center
Classification: Benign for Papillary renal cell carcinoma type 1. Last evaluated: 2025-02-01. Review status: criteria provided, single submitter. Criteria: ACMG Guidelines, 2015. Collection method: clinical testing. Allele origin: germline. Affected: no.

Blueprint Genetics
Classification: Likely benign. Last evaluated: 2023-10-20. Review status: criteria provided, single submitter. Criteria: ACMG Guidelines, 2015. Collection method: clinical testing. Allele origin: germline.

Sema4
Classification: Likely benign for Hereditary cancer-predisposing syndrome. Last evaluated: 2021-10-18. Review status: criteria provided, single submitter. Criteria: Sema4 Curation Guidelines. Collection method: curation. Allele origin: germline.

Mendelics
Classification: Likely benign for Papillary renal cell carcinoma type 1. Last evaluated: 2019-05-28. Review status: criteria provided, single submitter. Criteria: Mendelics Assertion Criteria 2017. Collection method: clinical testing. Allele origin: unknown.

GeneDx
Classification: Likely benign. Last evaluated: 2018-06-18. Review status: criteria provided, single submitter. Criteria: GeneDx Variant Classification Process June 2021. Collection method: clinical testing. Allele origin: germline. Affected: yes.
Comment: This variant is associated with the following publications: (PMID: 24728327, 30098700)

Ambry Genetics
Classification: Likely benign for Hereditary cancer-predisposing syndrome. Last evaluated: 2018-05-08. Review status: criteria provided, single submitter. Criteria: Ambry Variant Classification Scheme 2023. Collection method: clinical testing. Allele origin: germline.

Illumina Laboratory Services, Illumina
Classification: Benign for Papillary renal cell carcinoma type 1. Last evaluated: 2018-01-12. Review status: criteria provided, single submitter. Criteria: ICSL Variant Classification Criteria 13 December 2019. Collection method: clinical testing. Allele origin: germline.
Comment: This variant was observed in the ICSL laboratory as part of a predisposition screen in an ostensibly healthy population. It had not been previously curated by ICSL or reported in the Human Gene Mutation Database (HGMD: prior to June 1st, 2018), and was therefore a candidate for classification through an automated scoring system. Utilizing variant allele frequency, disease prevalence and penetrance estimates, and inheritance mode, an automated score was calculated to assess if this variant is too frequent to cause the disease. Based on the score and internal cut-off values, a variant classified as benign is not then subjected to further curation. The score for this variant resulted in a classification of benign for this disease.

Breakthrough Genomics
Classification: Likely benign. Review status: criteria provided, single submitter. Criteria: ACMG Guidelines, 2015. Collection method: not provided. Allele origin: germline. Inheritance: Autosomal recessive inheritance. Affected: yes.

PreventionGenetics, part of Exact Sciences
Classification: Likely benign for MET-related condition. Last evaluated: 2023-05-03. Review status: no assertion criteria provided. Collection method: clinical testing. Allele origin: germline. Not counted in ClinVar's aggregate classification.
Comment: This variant is classified as likely benign based on ACMG/AMP sequence variant interpretation guidelines (Richards et al. 2015 PMID: 25741868, with internal and published modifications).

ITMI
No classification provided. Condition: AllHighlyPenetrant. Last evaluated: 2013-09-19. Review status: no classification provided. Collection method: reference population. Allele origin: germline. Not counted in ClinVar's aggregate classification.
Comment: Please see associated publication for description of ethnicities

Literature cited by the submitters: PubMed 24728327 (cited by 3 submitters).

NM_000245.4(MET):c.4087G>A (p.Ala1363Thr)

Gene: MET (MET proto-oncogene, receptor tyrosine kinase; plus strand). Cytogenetic location: 7q31.2.
Variant type: single nucleotide variant.
Coding change: c.4087G>A on transcript NM_000245.4 (MANE Select); coding-DNA position 4087, G replaced by A.
Protein change: p.Ala1363Thr; replaces alanine 1363 with threonine.
Molecular consequence: missense variant.
Genome position (GRCh38, 1-based): chr7:116,796,038, G>A. VCF-style: chr7-116796038-G-A. GRCh37 (hg19) VCF-style: chr7-116436092-G-A.
Other names: c.4141G>A (LRG_662t1, NM_001127500.2); c.4141G>A, p.Ala1381Thr (NM_001127500.3); c.2797G>A, p.Ala933Thr (NM_001324402.2); short protein forms A1381T, A933T, A1363T.
Identifiers: ClinVar variation 134651 (VCV000134651.48), dbSNP rs45578433, ClinGen allele CA332155.